The following is an entry in ClinVar:

NM_006440.5(TXNRD2):c.1575A>C (p.Ter525Tyr)

Gene: TXNRD2 (thioredoxin reductase 2; minus strand). Cytogenetic location: 22q11.21.
Variant type: single nucleotide variant.
Coding change: c.1575A>C on transcript NM_006440.5 (MANE Select); coding-DNA position 1575, A replaced by C.
Protein change: p.Ter525Tyr.
Molecular consequence: stop lost. On other transcripts: non-coding transcript variant (1).
Genome position (GRCh38, 1-based): chr22:19,877,105, T>G on the plus strand (A>C on the coding strand, the complement: TXNRD2 is on the minus strand). VCF-style: chr22-19877105-T-G. GRCh37 (hg19) VCF-style: chr22-19864628-T-G.
Other names: c.1572A>C, p.Ter524Tyr (NM_001352300.2); c.1485A>C, p.Ter495Tyr (NM_001352301.2); c.1287A>C, p.Ter429Tyr (NM_001352302.2).
Identifiers: ClinVar variation 2874350 (VCV002874350.3), dbSNP rs890339708, ClinGen allele CA322074714.

ClinVar aggregate classification (germline): Uncertain significance (1 of 4 stars; one submission).

Conditions:
Primary dilated cardiomyopathy (DCM). Also called: Dilated Cardiomyopathy. Identifiers: Orphanet 217604, MedGen C0007193, MeSH D002311, MONDO:0005021, HP:0001644. Inheritance: Various modes of inheritance.

Allele frequency attached by ClinVar (database versions not stated): gnomAD 0.00001; TOPMed 0.00001; gnomAD exomes below 0.00001.
gnomAD v4.1: 6 of 1,597,842 alleles (0.00038%); highest among the groups gnomAD compares: Non-Finnish European, 0.00051%; no homozygotes.

Submission:

Labcorp Genetics (formerly Invitae), Labcorp
Classification: Uncertain significance for Primary dilated cardiomyopathy. Last evaluated: 2023-05-22. Review status: criteria provided, single submitter. Criteria: Invitae Variant Classification Sherloc (09022015). Collection method: clinical testing. Allele origin: germline.
Comment: This sequence change disrupts the translational stop signal of the TXNRD2 mRNA. It is expected to disrupt the last amino acid of the TXNRD2 protein and extend the protein by an uncertain number of additional amino acid residue(s). In summary, the available evidence is currently insufficient to determine the role of this variant in disease. Therefore, it has been classified as a Variant of Uncertain Significance. Algorithms developed to predict the effect of sequence changes on RNA splicing suggest that this variant may disrupt the consensus splice site. This variant has not been reported in the literature in individuals affected with TXNRD2-related conditions. This variant is present in population databases (no rsID available, gnomAD 0.0009%).